The following is an entry in ClinVar:

ClinVar aggregate classification (germline): Uncertain significance. Review status: criteria provided, multiple submitters, no conflicts (2 of 4 stars). 2 submissions from 2 submitters: Uncertain significance (2). Last evaluated 2026-07-07.

Conditions:
Hereditary cancer-predisposing syndrome. Also called: Hereditary neoplastic syndrome; Neoplastic Syndromes, Hereditary; Tumor predisposition; Hereditary Cancer Syndrome. Identifiers: Orphanet 140162, MedGen C0027672, MeSH D009386, MONDO:0015356.
Familial adenomatous polyposis 1 (FAP1). Also called: FAMILIAL ADENOMATOUS POLYPOSIS 1, ATTENUATED; POLYPOSIS, ADENOMATOUS INTESTINAL. Identifiers: MedGen C2713442, MONDO:0021056, OMIM 175100. Disease mechanism: loss of function.

Submissions (2):

Ambry Genetics
Classification: Uncertain significance for Hereditary cancer-predisposing syndrome. Last evaluated: 2026-07-07. Review status: criteria provided, single submitter. Criteria: Ambry Variant Classification Scheme 2023. Collection method: clinical testing. Allele origin: germline.
Comment: The p.V830A variant (also known as c.2489T>C), located in coding exon 15 of the APC gene, results from a T to C substitution at nucleotide position 2489. The valine at codon 830 is replaced by alanine, an amino acid with similar properties. This amino acid position is conserved. In addition, in silico predictors for this gene do not accurately predict pathogenicity. Based on the available evidence, the clinical significance of this variant remains unclear.

Labcorp Genetics (formerly Invitae), Labcorp
Classification: Uncertain significance for Familial adenomatous polyposis 1. Last evaluated: 2022-10-10. Review status: criteria provided, single submitter. Criteria: Invitae Variant Classification Sherloc (09022015). Collection method: clinical testing. Allele origin: germline.
Comment: In summary, the available evidence is currently insufficient to determine the role of this variant in disease. Therefore, it has been classified as a Variant of Uncertain Significance. Advanced modeling of protein sequence and biophysical properties (such as structural, functional, and spatial information, amino acid conservation, physicochemical variation, residue mobility, and thermodynamic stability) performed at Invitae indicates that this missense variant is not expected to disrupt APC protein function. This variant has not been reported in the literature in individuals affected with APC-related conditions. This variant is not present in population databases (gnomAD no frequency). This sequence change replaces valine, which is neutral and non-polar, with alanine, which is neutral and non-polar, at codon 830 of the APC protein (p.Val830Ala).

NM_000038.6(APC):c.2489T>C (p.Val830Ala)

Gene: APC (APC regulator of Wnt signaling pathway; plus strand). Cytogenetic location: 5q22.2.
Variant type: single nucleotide variant.
Coding change: c.2489T>C on transcript NM_000038.6 (MANE Select); coding-DNA position 2489, T replaced by C.
Protein change: p.Val830Ala; replaces valine 830 with alanine.
Molecular consequence: missense variant.
Genome position (GRCh38, 1-based): chr5:112,838,083, T>C. VCF-style: chr5-112838083-T-C. GRCh37 (hg19) VCF-style: chr5-112173780-T-C.
Other names: c.2489T>C (NM_000038.5); c.1640T>C, p.Val547Ala (NM_001354906.2, NM_001407470.1); c.2573T>C, p.Val858Ala (NM_001407446.1); c.2543T>C, p.Val848Ala (NM_001407447.1, NM_001407448.1, NM_001407449.1 and 1 more transcripts); c.2489T>C, p.Val830Ala (NM_001407450.1, NM_001127510.3, NM_001354895.2); c.2468T>C, p.Val823Ala (NM_001407451.1); c.2459T>C, p.Val820Ala (NM_001407452.1); c.2312T>C, p.Val771Ala (NM_001407453.1, NM_001354901.2); and 12 more; short protein forms V446A, V670A, V701A, V729A, V805A, V820A, V858A, V547A.
Identifiers: ClinVar variation 1961031 (VCV001961031.6), dbSNP rs2149870792, ClinGen allele CA16026794.